The following is an entry in ClinVar:

ClinVar aggregate classification (germline): Likely pathogenic (1 of 4 stars; one submission).

Conditions:
Developmental and epileptic encephalopathy, 42 (DEE42A). Also called: DEVELOPMENTAL AND EPILEPTIC ENCEPHALOPATHY 42A; EPILEPTIC ENCEPHALOPATHY, EARLY INFANTILE, 42A; Epileptic encephalopathy, early infantile, 42. Identifiers: MedGen C4310716, MONDO:0014917, OMIM 617106.
Episodic ataxia type 2 (EA2). Also called: ACETAZOLAMIDE-RESPONSIVE HEREDITARY PAROXYSMAL CEREBELLAR ATAXIA; ATAXIA, EPISODIC, WITH NYSTAGMUS; ATAXIA, FAMILIAL PAROXYSMAL; CEREBELLAR ATAXIA, PAROXYSMAL, ACETAZOLAMIDE-RESPONSIVE; CEREBELLOPATHY, HEREDITARY PAROXYSMAL; EPISODIC ATAXIA, NYSTAGMUS-ASSOCIATED. Identifiers: Orphanet 97, MedGen C1720416, MONDO:0007163, OMIM 108500.

Submission:

Labcorp Genetics (formerly Invitae), Labcorp
Classification: Likely pathogenic for Developmental and epileptic encephalopathy, 42; Episodic ataxia type 2. Last evaluated: 2023-10-13. Review status: criteria provided, single submitter. Criteria: Invitae Variant Classification Sherloc (09022015). Collection method: clinical testing. Allele origin: germline.
Comment: This variant, c.5279_5281del, results in the deletion of 1 amino acid(s) of the CACNA1A protein (p.Asn1760del), but otherwise preserves the integrity of the reading frame. This variant is not present in population databases (gnomAD no frequency). This variant has been observed in individual(s) with episodic ataxia (Invitae). In at least one individual the variant was observed to be de novo. ClinVar contains an entry for this variant (Variation ID: 860556). Experimental studies and prediction algorithms are not available or were not evaluated, and the functional significance of this variant is currently unknown. In summary, the currently available evidence indicates that the variant is pathogenic, but additional data are needed to prove that conclusively. Therefore, this variant has been classified as Likely Pathogenic.

NM_001127222.2(CACNA1A):c.5273ACA[1] (p.Asn1759del)

Gene: CACNA1A (calcium voltage-gated channel subunit alpha1 A; minus strand). Cytogenetic location: 19p13.13.
Variant type: Microsatellite.
Coding change: c.5273ACA[1] on transcript NM_001127222.2 (MANE Select); one copy of the 3-base unit ACA starting at c.5273; the reference has two copies in a row; one copy, 3 bases deleted.
Protein change: p.Asn1759del; deletes asparagine 1759.
Molecular consequence: inframe deletion.
Genome position (GRCh38, 1-based): chr19:13,231,832-13,231,834, TGT deleted on the plus strand (ACA on the coding strand, the reverse complement: CACNA1A is on the minus strand); deleting any 3 consecutive bases within chr19:13,231,832-13,231,837 gives the same sequence; the position shown is the placement nearest the transcript's 3' end. VCF-style (leftmost placement, unchanged base first): chr19-13231831-ATGT-A. GRCh37 (hg19) VCF-style: chr19-13342645-ATGT-A.
Other names: c.5279_5281del (NM_001127221.1); c.5291ACA[1], p.Asn1765del (NM_000068.4, NM_023035.3); c.5276ACA[1], p.Asn1760del (NM_001127221.2); c.5282ACA[1], p.Asn1762del (NM_001174080.2); short protein forms N1759del, N1762del, N1760del, N1765del.
Identifiers: ClinVar variation 860556 (VCV000860556.4), dbSNP rs2055675454, ClinGen allele CA916082445.